The following is an entry in ClinVar:

ClinVar aggregate classification (germline): Uncertain significance (1 of 4 stars; one submission).

Conditions:
RASopathy. Also called: rasopathies; Noonan spectrum disorder. Identifiers: Orphanet 536391, MedGen C5555857, MONDO:0021060.

Allele frequency attached by ClinVar (database versions not stated): gnomAD exomes below 0.00001.
gnomAD v4.1: 2 of 1,532,650 alleles (0.00013%); highest among the groups gnomAD compares: Non-Finnish European, 0.00017%; no homozygotes.

Submission:

Labcorp Genetics (formerly Invitae), Labcorp
Classification: Uncertain significance for RASopathy. Last evaluated: 2023-12-07. Review status: criteria provided, single submitter. Criteria: Invitae Variant Classification Sherloc (09022015). Collection method: clinical testing. Allele origin: germline.
Comment: This sequence change falls in intron 1 of the BRAF gene. It does not directly change the encoded amino acid sequence of the BRAF protein. It affects a nucleotide within the consensus splice site. This variant is not present in population databases (gnomAD no frequency). This variant has not been reported in the literature in individuals affected with BRAF-related conditions. ClinVar contains an entry for this variant (Variation ID: 477684). Variants that disrupt the consensus splice site are a relatively common cause of aberrant splicing (PMID: 17576681, 9536098). Algorithms developed to predict the effect of sequence changes on RNA splicing suggest that this variant is not likely to affect RNA splicing. In summary, the available evidence is currently insufficient to determine the role of this variant in disease. Therefore, it has been classified as a Variant of Uncertain Significance.

Literature cited by the submitters: PubMed 17576681; PubMed 9536098.

NM_004333.6(BRAF):c.138+3G>A

Gene: BRAF (B-Raf proto-oncogene, serine/threonine kinase; minus strand). Cytogenetic location: 7q34.
Variant type: single nucleotide variant.
Coding change: c.138+3G>A on transcript NM_004333.6 (MANE Select); 3 bases into the intron after coding-DNA position 138, G replaced by A.
Molecular consequence: intron variant.
Genome position (GRCh38, 1-based): chr7:140,924,563, C>T on the plus strand (G>A on the coding strand, the complement: BRAF is on the minus strand). VCF-style: chr7-140924563-C-T. GRCh37 (hg19) VCF-style: chr7-140624363-C-T.
Other names: c.138+3G>A (NM_001378474.1, NM_001378470.1, NM_001378475.1 and 7 more transcripts).
Identifiers: ClinVar variation 477684 (VCV000477684.6), dbSNP rs1554430994, ClinGen allele CA658657729.